The following is an entry in ClinVar:

NM_003907.3(EIF2B5):c.224T>C (p.Leu75Ser)

Gene: EIF2B5 (eukaryotic translation initiation factor 2B subunit epsilon; plus strand). Cytogenetic location: 3q27.1.
Variant type: single nucleotide variant.
Coding change: c.224T>C on transcript NM_003907.3 (MANE Select); coding-DNA position 224, T replaced by C.
Protein change: p.Leu75Ser; replaces leucine 75 with serine.
Molecular consequence: missense variant.
Genome position (GRCh38, 1-based): chr3:184,136,640, T>C. VCF-style: chr3-184136640-T-C. GRCh37 (hg19) VCF-style: chr3-183854428-T-C.
Other names: short protein forms L75S.
Identifiers: ClinVar variation 2025417 (VCV002025417.4), dbSNP rs2473659546, ClinGen allele CA355381487.
Genomic context (GRCh38, chr3:184,136,640, plus strand): 5'-CCTCAAGTTTTTTTTCATCTTGTATCCTTCAGGTCCTCTTGCCCCTGGCCAATGTGGCAT[T>C]AATTGACTACACTCTGGAATTCCTGACTGCCACAGGTGTACAGGAAACATTTGTCTTTTG-3'
Protein context (NP_003898.2, residues 65-85): RVLLPLANVA[Leu75Ser]IDYTLEFLTA

ClinVar aggregate classification (germline): Uncertain significance (1 of 4 stars; one submission).

Submission:

Labcorp Genetics (formerly Invitae), Labcorp
Classification: Uncertain significance. Last evaluated: 2022-09-01. Review status: criteria provided, single submitter. Criteria: Invitae Variant Classification Sherloc (09022015). Collection method: clinical testing. Allele origin: germline.
Comment: In summary, the available evidence is currently insufficient to determine the role of this variant in disease. Therefore, it has been classified as a Variant of Uncertain Significance. This sequence change replaces leucine, which is neutral and non-polar, with serine, which is neutral and polar, at codon 75 of the EIF2B5 protein (p.Leu75Ser). This variant is not present in population databases (gnomAD no frequency). This variant has not been reported in the literature in individuals affected with EIF2B5-related conditions. Advanced modeling of protein sequence and biophysical properties (such as structural, functional, and spatial information, amino acid conservation, physicochemical variation, residue mobility, and thermodynamic stability) performed at Invitae indicates that this missense variant is expected to disrupt EIF2B5 protein function.